The following is an entry in ClinVar:

ClinVar aggregate classification (germline): Uncertain significance (1 of 4 stars; one submission).

Submission:

Labcorp Genetics (formerly Invitae), Labcorp
Classification: Uncertain significance. Last evaluated: 2025-05-19. Review status: criteria provided, single submitter. Criteria: Invitae Variant Classification Sherloc (09022015). Collection method: clinical testing. Allele origin: germline.
Comment: This sequence change falls in intron 14 of the SARS2 gene. It does not directly change the encoded amino acid sequence of the SARS2 protein. This variant is not present in population databases (gnomAD no frequency). This variant has not been reported in the literature in individuals affected with SARS2-related conditions. ClinVar contains an entry for this variant (Variation ID: 2123657). Algorithms developed to predict the effect of sequence changes on RNA splicing suggest that this variant may disrupt the consensus splice site. In summary, the available evidence is currently insufficient to determine the role of this variant in disease. Therefore, it has been classified as a Variant of Uncertain Significance.

NM_017827.4(SARS2):c.1348-13G>A

Gene: SARS2 (seryl-tRNA synthetase 2, mitochondrial; minus strand). Cytogenetic location: 19q13.2.
Variant type: single nucleotide variant.
Coding change: c.1348-13G>A on transcript NM_017827.4 (MANE Select); 13 bases into the intron before coding-DNA position 1348, G replaced by A.
Molecular consequence: intron variant.
Genome position (GRCh38, 1-based): chr19:38,915,919, C>T on the plus strand (G>A on the coding strand, the complement: SARS2 is on the minus strand). VCF-style: chr19-38915919-C-T. GRCh37 (hg19) VCF-style: chr19-39406559-C-T.
Other names: c.1354-13G>A (NM_001145901.2).
Identifiers: ClinVar variation 2123657 (VCV002123657.4), dbSNP rs2513524546, ClinGen allele CA2580097207.